The following is an entry in ClinVar:

ClinVar aggregate classification (germline): Uncertain significance. Review status: criteria provided, multiple submitters, no conflicts (2 of 4 stars). 3 submissions from 3 submitters: Uncertain significance (3). Last evaluated 2025-11-02.

Conditions:
Inborn genetic diseases. Identifiers: MedGen C0950123, MeSH D030342.
X-linked immunodeficiency with magnesium defect, Epstein-Barr virus infection and neoplasia. Identifiers: Orphanet 317476, MedGen C3275445, MONDO:0010455, OMIM 300853.

Allele frequency attached by ClinVar (database versions not stated): gnomAD exomes 0.00001; TOPMed 0.00001.
gnomAD v4.1: 14 of 1,093,069 alleles (0.0013%); highest among the groups gnomAD compares: Non-Finnish European, 0.0017%; no homozygotes.

Submissions (3):

Ambry Genetics
Classification: Uncertain significance for Inborn genetic diseases. Last evaluated: 2025-11-02. Review status: criteria provided, single submitter. Criteria: Ambry Variant Classification Scheme 2023. Collection method: clinical testing. Allele origin: germline.

Labcorp Genetics (formerly Invitae), Labcorp
Classification: Uncertain significance for X-linked immunodeficiency with magnesium defect, Epstein-Barr virus infection and neoplasia. Last evaluated: 2025-03-10. Review status: criteria provided, single submitter. Criteria: Invitae Variant Classification Sherloc (09022015). Collection method: clinical testing. Allele origin: germline.
Comment: This sequence change replaces methionine, which is neutral and non-polar, with valine, which is neutral and non-polar, at codon 334 of the MAGT1 protein (p.Met334Val). The frequency data for this variant in the population databases is considered unreliable, as metrics indicate poor data quality at this position in the gnomAD database. This variant has not been reported in the literature in individuals affected with MAGT1-related conditions. ClinVar contains an entry for this variant (Variation ID: 2184645). An algorithm developed to predict the effect of missense changes on protein structure and function (PolyPhen-2) suggests that this variant is likely to be tolerated. Algorithms developed to predict the effect of sequence changes on RNA splicing suggest that this variant may create or strengthen a splice site. In summary, the available evidence is currently insufficient to determine the role of this variant in disease. Therefore, it has been classified as a Variant of Uncertain Significance.

GeneDx
Classification: Uncertain significance. Last evaluated: 2022-11-25. Review status: criteria provided, single submitter. Criteria: GeneDx Variant Classification Process June 2021. Collection method: clinical testing. Allele origin: germline. Affected: yes.
Comment: Not observed at significant frequency in large population cohorts (gnomAD); In silico analysis supports that this missense variant does not alter protein structure/function; Has not been previously published as pathogenic or benign to our knowledge

NM_001367916.1(MAGT1):c.904A>G (p.Met302Val)

Gene: MAGT1 (magnesium transporter 1; minus strand). Cytogenetic location: Xq21.1.
Variant type: single nucleotide variant.
Coding change: c.904A>G on transcript NM_001367916.1 (MANE Select); coding-DNA position 904, A replaced by G.
Protein change: p.Met302Val; replaces methionine 302 with valine.
Molecular consequence: missense variant.
Genome position (GRCh38, 1-based): chrX:77,830,893, T>C on the plus strand (A>G on the coding strand, the complement: MAGT1 is on the minus strand). VCF-style: chrX-77830893-T-C. GRCh37 (hg19) VCF-style: chrX-77086390-T-C.
Other names: c.1000A>G, p.Met334Val (NM_032121.5); short protein forms M334V, M302V.
Identifiers: ClinVar variation 2184645 (VCV002184645.6), dbSNP rs890032923, ClinGen allele CA331577159.
Genomic context (GRCh38, chrX:77,830,893, plus strand): 5'-TAAAAATAGAGAGCATCCAACTGAAGAATAATACAACAAGTCCAATACCAGCCACACACA[T>C]TACTGCAGAAAAATAAAAGGAGAGTAAAATGAGCAGGTTGAGTATAATAAATAACCATGG-3'
Protein context (NP_001354845.1, residues 292-312): SDMDIGKRKI[Met302Val]CVAGIGLVVL